The following is an entry in ClinVar:

ClinVar aggregate classification (germline): Uncertain significance. Review status: criteria provided, multiple submitters, no conflicts (2 of 4 stars). 3 submissions from 3 submitters: Uncertain significance (3). Last evaluated 2026-04-28.

Conditions:
Osteogenesis imperfecta type I (OI1). Also called: OI, TYPE I; OSTEOGENESIS IMPERFECTA TARDA; OSTEOGENESIS IMPERFECTA WITH BLUE SCLERAE; Osteogenesis imperfecta type 1; Classic Non-deforming Osteogenesis Imperfecta with Blue Sclerae; Lobstein's Disease. Identifiers: Orphanet 216796, Orphanet 666, MedGen C0023931, MONDO:0008146, OMIM 166200. Disease mechanism: loss of function.
Ehlers-Danlos syndrome, classic type, 1 (EDSCL1). Also called: EHLERS-DANLOS SYNDROME, GRAVIS TYPE; EHLERS-DANLOS SYNDROME, SEVERE CLASSIC TYPE; EDS I; Ehlers-Danlos Syndrome, Classic Type, COL5A1-Related; Ehlers-Danlos syndrome, type 1. Identifiers: MedGen C0268335, MONDO:0019567, OMIM 130000.
Cardiovascular phenotype. Identifiers: MedGen CN230736.

Allele frequency attached by ClinVar (database versions not stated): ExAC 0.00001; gnomAD exomes below 0.00001; TOPMed 0.00001; gnomAD 0.00001.
gnomAD v4.1: 15 of 1,613,996 alleles (0.00093%); highest among the groups gnomAD compares: Non-Finnish European, 0.0013%; no homozygotes.

Submissions (3):

Ambry Genetics
Classification: Uncertain significance for Cardiovascular phenotype. Last evaluated: 2026-04-28. Review status: criteria provided, single submitter. Criteria: Ambry Variant Classification Scheme 2023. Collection method: clinical testing. Allele origin: germline.

Labcorp Genetics (formerly Invitae), Labcorp
Classification: Uncertain significance for Osteogenesis imperfecta type I; Ehlers-Danlos syndrome, classic type, 1. Last evaluated: 2024-03-07. Review status: criteria provided, single submitter. Criteria: Invitae Variant Classification Sherloc (09022015). Collection method: clinical testing. Allele origin: germline.
Comment: This sequence change replaces threonine, which is neutral and polar, with proline, which is neutral and non-polar, at codon 786 of the COL1A2 protein (p.Thr786Pro). This variant is present in population databases (rs774233882, gnomAD 0.0009%). This variant has not been reported in the literature in individuals affected with COL1A2-related conditions. ClinVar contains an entry for this variant (Variation ID: 1011766). Advanced modeling of protein sequence and biophysical properties (such as structural, functional, and spatial information, amino acid conservation, physicochemical variation, residue mobility, and thermodynamic stability) performed at Invitae indicates that this missense variant is not expected to disrupt COL1A2 protein function with a negative predictive value of 95%. In summary, the available evidence is currently insufficient to determine the role of this variant in disease. Therefore, it has been classified as a Variant of Uncertain Significance.

GeneDx
Classification: Uncertain significance. Last evaluated: 2022-06-20. Review status: criteria provided, single submitter. Criteria: GeneDx Variant Classification Process June 2021. Collection method: clinical testing. Allele origin: germline. Affected: yes.
Comment: Not observed at significant frequency in large population cohorts (gnomAD); In silico analysis supports that this missense variant has a deleterious effect on protein structure/function; Occurs in the triple helical domain at the Y position in the canonical Gly-X-Y repeat; although this variant may have an effect on normal protein folding and function, missense substitution at the Y position is not a common mechanism of disease (HGMD); Has not been previously published as pathogenic or benign to our knowledge

NM_000089.4(COL1A2):c.2356A>C (p.Thr786Pro)

Gene: COL1A2 (collagen type I alpha 2 chain; plus strand). Cytogenetic location: 7q21.3.
Variant type: single nucleotide variant.
Coding change: c.2356A>C on transcript NM_000089.4 (MANE Select); coding-DNA position 2356, A replaced by C.
Protein change: p.Thr786Pro; replaces threonine 786 with proline.
Molecular consequence: missense variant.
Genome position (GRCh38, 1-based): chr7:94,421,905, A>C. VCF-style: chr7-94421905-A-C. GRCh37 (hg19) VCF-style: chr7-94051217-A-C.
Other names: short protein forms T786P.
Identifiers: ClinVar variation 1011766 (VCV001011766.14), dbSNP rs774233882, ClinGen allele CA4347420.